The following is an entry in ClinVar:

ClinVar aggregate classification (germline): Likely benign. Review status: criteria provided, single submitter (1 of 4 stars). 2 submissions from 2 submitters: Likely benign (1). 1 of the submissions does not count toward it. Last evaluated 2023-10-23.

Conditions:
NPHP4-related disorder. Also called: NPHP4-related condition; NPHP4-related disorders. Identifiers: MedGen CN239384.
Nephronophthisis. Also called: Juvenile Nephronophthisis. Identifiers: Orphanet 655, MedGen C0687120, MONDO:0019005, HP:0000090.

gnomAD v4.1: 3 of 1,610,986 alleles (0.00019%); no homozygotes.

Submissions (2):

Labcorp Genetics (formerly Invitae), Labcorp
Classification: Likely benign for Nephronophthisis. Last evaluated: 2023-10-23. Review status: criteria provided, single submitter. Criteria: Invitae Variant Classification Sherloc (09022015). Collection method: clinical testing. Allele origin: germline.

PreventionGenetics, part of Exact Sciences
Classification: Likely benign for NPHP4-related condition. Last evaluated: 2021-04-21. Review status: no assertion criteria provided. Collection method: clinical testing. Allele origin: germline. Not counted in ClinVar's aggregate classification.
Comment: This variant is classified as likely benign based on ACMG/AMP sequence variant interpretation guidelines (Richards et al. 2015 PMID: 25741868, with internal and published modifications).

NM_015102.5(NPHP4):c.3117C>T (p.Asp1039=)

Gene: NPHP4 (nephrocystin 4; minus strand). Cytogenetic location: 1p36.31.
Variant type: single nucleotide variant.
Coding change: c.3117C>T on transcript NM_015102.5 (MANE Select); coding-DNA position 3117, C replaced by T.
Protein change: p.Asp1039=; no amino-acid change (aspartic acid 1039 retained).
Molecular consequence: synonymous variant. On other transcripts: non-coding transcript variant (1).
Genome position (GRCh38, 1-based): chr1:5,874,585, G>A on the plus strand (C>T on the coding strand, the complement: NPHP4 is on the minus strand). VCF-style: chr1-5874585-G-A. GRCh37 (hg19) VCF-style: chr1-5934645-G-A.
Other names: c.1578C>T, p.Asp526= (NM_001291593.2); c.1581C>T, p.Asp527= (NM_001291594.2); c.3117C>T (NM_015102.4).
Identifiers: ClinVar variation 2789819 (VCV002789819.5), dbSNP rs1007016642, ClinGen allele CA17135891.